The following is an entry in ClinVar:

ClinVar aggregate classification (germline): Conflicting classifications of pathogenicity. Review status: criteria provided, conflicting classifications (1 of 4 stars). 2 submissions from 2 submitters: Uncertain significance (1); Likely benign (1). Last evaluated 2026-08-19.

Conditions:
Breast-ovarian cancer, familial, susceptibility to, 2 (BROVCA2). Also called: BRCA2 Hereditary Breast and Ovarian Cancer. Identifiers: Orphanet 145, MedGen C2675520, MONDO:0012933, OMIM 612555. Disease mechanism: loss of function.

Submissions (2):

Myriad Genetics, Inc.
Classification: Likely benign for Breast-ovarian cancer, familial, susceptibility to, 2. Last evaluated: 2026-08-19. Review status: criteria provided, single submitter. Criteria: Myriad Autosomal Dominant, Autosomal Recessive and X-Linked Classification Criteria (2023). Collection method: clinical testing. Allele origin: unknown.
Comment: This variant is considered likely benign. This variant is strongly associated with less severe personal and family histories of cancer, typical for individuals without pathogenic variants in this gene [PMID: 25085752].

Women's Health and Genetics/Laboratory Corporation of America, LabCorp
Classification: Uncertain significance. Last evaluated: 2025-12-31. Review status: criteria provided, single submitter. Criteria: LabCorp Variant Classification Summary - May 2015. Collection method: clinical testing. Allele origin: germline.
Comment: Variant summary: BRCA2 c.9078G>T (p.Gln3026His) results in a non-conservative amino acid change in the encoded protein sequence. Algorithms developed to predict the effect of missense changes on protein structure and function are either unavailable or do not agree on the potential impact of this missense change. The variant was absent in 250082 control chromosomes. The available data on variant occurrences in the general population are insufficient to allow any conclusion about variant significance. To our knowledge, no occurrence of c.9078G>T in individuals affected with BRCA2-related conditions and no experimental evidence demonstrating its impact on protein function have been reported. No submitters have cited clinical-significance assessments for this variant to ClinVar. Based on the evidence outlined above, the variant was classified as uncertain significance.

Literature cited by the submitters: PubMed 25085752 (cited by Myriad Genetics, Inc.).

NM_000059.4(BRCA2):c.9078G>T (p.Gln3026His)

Gene: BRCA2 (BRCA2 DNA repair associated; plus strand). Cytogenetic location: 13q13.1.
Variant type: single nucleotide variant.
Coding change: c.9078G>T on transcript NM_000059.4 (MANE Select); coding-DNA position 9078, G replaced by T.
Protein change: p.Gln3026His; replaces glutamine 3026 with histidine.
Molecular consequence: missense variant. On other transcripts: non-coding transcript variant (1).
Genome position (GRCh38, 1-based): chr13:32,379,874, G>T. VCF-style: chr13-32379874-G-T. GRCh37 (hg19) VCF-style: chr13-32954011-G-T.
Other names: c.8982G>T, p.Gln2994His (NM_001406719.1); c.9027G>T, p.Gln3009His (NM_001406720.1); c.4146G>T, p.Gln1382His (NM_001406721.1); c.2661G>T, p.Gln887His (NM_001406722.1); c.9078G>T, p.Gln3026His (NM_001432077.1); short protein forms Q1382H, Q2994H, Q3009H, Q3026H, Q887H.
Identifiers: ClinVar variation 4688835 (VCV004688835.2).